The following is an entry in ClinVar:

NM_001009944.3(PKD1):c.3012C>T (p.Asn1004=)

Gene: PKD1 (polycystin 1, transient receptor potential channel interacting; minus strand). Cytogenetic location: 16p13.3.
Variant type: single nucleotide variant.
Coding change: c.3012C>T on transcript NM_001009944.3 (MANE Select); coding-DNA position 3012, C replaced by T.
Protein change: p.Asn1004=; no amino-acid change (asparagine 1004 retained).
Molecular consequence: synonymous variant.
Genome position (GRCh38, 1-based): chr16:2,112,937, G>A on the plus strand (C>T on the coding strand, the complement: PKD1 is on the minus strand). VCF-style: chr16-2112937-G-A. GRCh37 (hg19) VCF-style: chr16-2162938-G-A.
Other names: c.3012C>T, p.Asn1004= (NM_000296.4).
Identifiers: ClinVar variation 4681435 (VCV004681435.5).

ClinVar aggregate classification (germline): Likely benign (1 of 4 stars; one submission).

gnomAD v4.1: 46 of 1,602,638 alleles (0.0029%); highest among the groups gnomAD compares: Admixed American, 0.013%; no homozygotes.

Submission:

CeGaT Center for Human Genetics Tuebingen
Classification: Likely benign. Last evaluated: 2025-12-01. Review status: criteria provided, single submitter. Criteria: CeGaT Center For Human Genetics Tuebingen Variant Classification Criteria Version 2. Collection method: clinical testing. Allele origin: germline. Affected: yes. Observed: 1 variant allele.
Comment: PKD1: BP4, BP7